The following is an entry in ClinVar:

ClinVar aggregate classification (germline): Likely pathogenic (1 of 4 stars; one submission).

Submission:

Labcorp Genetics (formerly Invitae), Labcorp
Classification: Likely pathogenic. Last evaluated: 2021-12-25. Review status: criteria provided, single submitter. Criteria: Invitae Variant Classification Sherloc (09022015). Collection method: clinical testing. Allele origin: germline.
Comment: In summary, the currently available evidence indicates that the variant is pathogenic, but additional data are needed to prove that conclusively. Therefore, this variant has been classified as Likely Pathogenic. Algorithms developed to predict the effect of sequence changes on RNA splicing suggest that this variant may disrupt the consensus splice site. This variant has not been reported in the literature in individuals affected with RINT1-related conditions. This variant is not present in population databases (gnomAD no frequency). This sequence change affects a splice site in intron 4 of the RINT1 gene. It is expected to disrupt RNA splicing. Variants that disrupt the donor or acceptor splice site typically lead to a loss of protein function (PMID: 16199547), and loss-of-function variants in RINT1 are known to be pathogenic (PMID: 31204009).

Literature cited by the submitters: PubMed 16199547; PubMed 31204009.

NM_021930.6(RINT1):c.515+2_515+9del

Gene: RINT1 (RAD50 interactor 1; plus strand). Cytogenetic location: 7q22.3.
Variant type: Deletion.
Coding change: c.515+2_515+9del on transcript NM_021930.6 (MANE Select); the canonical splice donor site of the intron after coding-DNA position 515 through 9 bases into the intron after coding-DNA position 515, 8 bases deleted (TAAAATGG; older notation c.515+2_515+9delTAAAATGG).
Molecular consequence: splice donor variant.
Genome position (GRCh38, 1-based): chr7:105,542,651-105,542,658, TAAAATGG deleted; deleting any 8 consecutive bases within chr7:105,542,649-105,542,658 gives the same sequence; the c. name uses the placement nearest the transcript's 3' end. VCF-style (leftmost placement, unchanged base first): chr7-105542648-AGGTAAAAT-A. GRCh37 (hg19) VCF-style: chr7-105183095-AGGTAAAAT-A.
Other names: c.-505+2_-505+9del (NM_001346600.2); c.-408+2_-408+9del (NM_001346601.2); c.-28+2_-28+9del (NM_001346603.2); c.281+2_281+9del (NM_001346599.2).
Identifiers: ClinVar variation 2059480 (VCV002059480.4), dbSNP rs2485113260, ClinGen allele CA2580076110.